The following is an entry in ClinVar:

NM_130468.4(CHST14):c.173T>C (p.Leu58Pro)

Genes: CHST14 (carbohydrate sulfotransferase 14; plus strand), LOC130056851 (ATAC-STARR-seq lymphoblastoid silent region 6336; plus strand). Cytogenetic location: 15q15.1.
Variant type: single nucleotide variant.
Coding change: c.173T>C on transcript NM_130468.4 (MANE Select); coding-DNA position 173, T replaced by C.
Protein change: p.Leu58Pro; replaces leucine 58 with proline.
Molecular consequence: missense variant.
Genome position (GRCh38, 1-based): chr15:40,471,386, T>C. VCF-style: chr15-40471386-T-C. GRCh37 (hg19) VCF-style: chr15-40763585-T-C.
Other names: c.173T>C (NM_130468.3); short protein forms L58P.
Identifiers: ClinVar variation 1017964 (VCV001017964.5), dbSNP rs749135787, ClinGen allele CA7481556.

ClinVar aggregate classification (germline): Uncertain significance. Review status: criteria provided, multiple submitters, no conflicts (2 of 4 stars). 2 submissions from 2 submitters: Uncertain significance (2). Last evaluated 2025-04-14.

Conditions:
Cardiovascular phenotype. Identifiers: MedGen CN230736.
Ehlers-Danlos syndrome, musculocontractural type (EDSMC). Also called: ADDUCTED THUMB-CLUBFOOT SYNDROME; Adducted thumb, clubfoot, progressive joint and skin laxity syndrome; ARTHROGRYPOSIS, DISTAL, WITH PECULIAR FACIES AND HYDRONEPHROSIS; DUNDAR SYNDROME. Identifiers: Orphanet 2953, MedGen C1866294, MONDO:0011142.

Allele frequency attached by ClinVar (database versions not stated): gnomAD exomes below 0.00001 and 0.00002; TOPMed below 0.00001; ExAC 0.00011.

Submissions (2):

Ambry Genetics
Classification: Uncertain significance for Cardiovascular phenotype. Last evaluated: 2025-04-14. Review status: criteria provided, single submitter. Criteria: Ambry Variant Classification Scheme 2023. Collection method: clinical testing. Allele origin: germline.
Comment: The p.L58P variant (also known as c.173T>C), located in coding exon 1 of the CHST14 gene, results from a T to C substitution at nucleotide position 173. The leucine at codon 58 is replaced by proline, an amino acid with similar properties. This amino acid position is conserved. In addition, this alteration is predicted to be deleterious by in silico analysis. Based on the available evidence, the clinical significance of this variant remains unclear.

Labcorp Genetics (formerly Invitae), Labcorp
Classification: Uncertain significance for Ehlers-Danlos syndrome, musculocontractural type. Last evaluated: 2021-09-15. Review status: criteria provided, single submitter. Criteria: Invitae Variant Classification Sherloc (09022015). Collection method: clinical testing. Allele origin: germline.
Comment: This sequence change replaces leucine with proline at codon 58 of the CHST14 protein (p.Leu58Pro). The leucine residue is highly conserved and there is a moderate physicochemical difference between leucine and proline. This variant is present in population databases (rs749135787, ExAC 0.03%). This variant has not been reported in the literature in individuals affected with CHST14-related conditions. Algorithms developed to predict the effect of missense changes on protein structure and function (SIFT, PolyPhen-2, Align-GVGD) all suggest that this variant is likely to be disruptive. In summary, the available evidence is currently insufficient to determine the role of this variant in disease. Therefore, it has been classified as a Variant of Uncertain Significance.